The following is an entry in ClinVar:

NM_000287.4(PEX6):c.2066C>T (p.Ala689Val)

Gene: PEX6 (peroxisomal biogenesis factor 6; minus strand). Cytogenetic location: 6p21.1.
Variant type: single nucleotide variant.
Coding change: c.2066C>T on transcript NM_000287.4 (MANE Select); coding-DNA position 2066, C replaced by T.
Protein change: p.Ala689Val; replaces alanine 689 with valine.
Molecular consequence: missense variant. On other transcripts: non-coding transcript variant (1).
Genome position (GRCh38, 1-based): chr6:42,966,553, G>A on the plus strand (C>T on the coding strand, the complement: PEX6 is on the minus strand). VCF-style: chr6-42966553-G-A. GRCh37 (hg19) VCF-style: chr6-42934291-G-A.
Other names: c.1802C>T, p.Ala601Val (NM_001316313.2); short protein forms A601V, A689V.
Identifiers: ClinVar variation 1430398 (VCV001430398.8), dbSNP rs1396207688, ClinGen allele CA364152644.

ClinVar aggregate classification (germline): Uncertain significance (1 of 4 stars; one submission).

Conditions:
Peroxisome biogenesis disorder. Identifiers: Orphanet 79189, MedGen C1832200, MONDO:0019234. Disease mechanism: loss of function.

Allele frequency attached by ClinVar (database versions not stated): TOPMed 0.00001.
gnomAD v4.1: 2 of 1,614,090 alleles (0.00012%); highest among the groups gnomAD compares: African/African-American, 0.0027%; no homozygotes.

Submission:

Labcorp Genetics (formerly Invitae), Labcorp
Classification: Uncertain significance for Peroxisome biogenesis disorder. Last evaluated: 2022-02-04. Review status: criteria provided, single submitter. Criteria: Invitae Variant Classification Sherloc (09022015). Collection method: clinical testing. Allele origin: germline.
Comment: This sequence change replaces alanine, which is neutral and non-polar, with valine, which is neutral and non-polar, at codon 689 of the PEX6 protein (p.Ala689Val). This variant is present in population databases (no rsID available, gnomAD 0.01%). This variant has not been reported in the literature in individuals affected with PEX6-related conditions. Algorithms developed to predict the effect of missense changes on protein structure and function (SIFT, PolyPhen-2, Align-GVGD) all suggest that this variant is likely to be tolerated. In summary, the available evidence is currently insufficient to determine the role of this variant in disease. Therefore, it has been classified as a Variant of Uncertain Significance.